The following is an entry in ClinVar:

NM_017780.4(CHD7):c.6012C>G (p.Asp2004Glu)

Gene: CHD7 (chromodomain helicase DNA binding protein 7; plus strand). Cytogenetic location: 8q12.2.
Variant type: single nucleotide variant.
Coding change: c.6012C>G on transcript NM_017780.4 (MANE Select); coding-DNA position 6012, C replaced by G.
Protein change: p.Asp2004Glu; replaces aspartic acid 2004 with glutamic acid.
Molecular consequence: missense variant. On other transcripts: intron variant (1).
Genome position (GRCh38, 1-based): chr8:60,852,615, C>G. VCF-style: chr8-60852615-C-G. GRCh37 (hg19) VCF-style: chr8-61765174-C-G.
Other names: c.1717-9614C>G (NM_001316690.1); short protein forms D2004E.
Identifiers: ClinVar variation 4766463 (VCV004766463.1).
Genomic context (GRCh38, chr8:60,852,615, plus strand): 5'-TTTTGACCCTGTGAAACAGCAATTTGACTGGAACCAATTTAGAGCCTTTGCCAGGCTTGA[C>G]AAAAAATCTGATGAGAGTTTGGAGAAATACTTCAGTTGTTTTGTGGCCATGTGTAGGCGA-3'
Protein context (NP_060250.2, residues 1994-2014): WNQFRAFARL[Asp2004Glu]KKSDESLEKY

ClinVar aggregate classification (germline): Uncertain significance (1 of 4 stars; one submission).

Conditions:
CHARGE syndrome (CHARGE). Also called: Hittner Hirsch Kreh syndrome; CHARGE ASSOCIATION--COLOBOMA, HEART ANOMALY, CHOANAL ATRESIA, RETARDATION, GENITAL AND EAR ANOMALIES; Coloboma, heart anomaly, choanal atresia, retardation, genital and ear anomalies; CHARGE association; Hall-Hittner syndrome. Identifiers: Orphanet 138, MedGen C0265354, MONDO:0008965.

Submission:

Labcorp Genetics (formerly Invitae), Labcorp
Classification: Uncertain significance for CHARGE syndrome. Last evaluated: 2025-11-04. Review status: criteria provided, single submitter. Criteria: Invitae Variant Classification Sherloc (09022015). Collection method: clinical testing. Allele origin: germline.
Comment: This sequence change replaces aspartic acid, which is acidic and polar, with glutamic acid, which is acidic and polar, at codon 2004 of the CHD7 protein (p.Asp2004Glu). This variant is not present in population databases (gnomAD no frequency). This variant has not been reported in the literature in individuals affected with CHD7-related conditions. Invitae Evidence Modeling of protein sequence and biophysical properties (such as structural, functional, and spatial information, amino acid conservation, physicochemical variation, residue mobility, and thermodynamic stability) indicates that this missense variant is not expected to disrupt CHD7 protein function with a negative predictive value of 95%. In summary, the available evidence is currently insufficient to determine the role of this variant in disease. Therefore, it has been classified as a Variant of Uncertain Significance.